The following is an entry in ClinVar:

NM_138691.3(TMC1):c.903_904dup (p.Asp302fs)

Gene: TMC1 (transmembrane channel like 1; plus strand). Cytogenetic location: 9q21.13.
Variant type: Duplication.
Coding change: c.903_904dup on transcript NM_138691.3 (MANE Select); coding-DNA positions 903 to 904, 2 bases duplicated (TG; older notation c.903_904dupTG).
Protein change: p.Asp302fs; shifts the reading frame from aspartic acid 302.
Molecular consequence: frameshift variant.
Genome position (GRCh38, 1-based): chr9:72,788,357-72,788,358, TG duplicated; duplicating any 2 consecutive bases within chr9:72,788,356-72,788,358 gives the same sequence; the c. name uses the placement nearest the transcript's 3' end. VCF-style (leftmost placement, unchanged base first): chr9-72788355-G-GGT. GRCh37 (hg19) VCF-style: chr9-75403271-G-GGT.
Other names: short protein forms D302fs.
Identifiers: ClinVar variation 2790181 (VCV002790181.3), dbSNP rs2489915874, ClinGen allele CA2690288109.

ClinVar aggregate classification (germline): Pathogenic (1 of 4 stars; one submission).

Submission:

Labcorp Genetics (formerly Invitae), Labcorp
Classification: Pathogenic. Last evaluated: 2024-02-24. Review status: criteria provided, single submitter. Criteria: Invitae Variant Classification Sherloc (09022015). Collection method: clinical testing. Allele origin: germline.
Comment: This sequence change creates a premature translational stop signal (p.Asp302Valfs*24) in the TMC1 gene. It is expected to result in an absent or disrupted protein product. Loss-of-function variants in TMC1 are known to be pathogenic (PMID: 11850618, 22105175). This variant is not present in population databases (gnomAD no frequency). This variant has not been reported in the literature in individuals affected with TMC1-related conditions. For these reasons, this variant has been classified as Pathogenic.

Literature cited by the submitters: PubMed 11850618; PubMed 22105175.